The following is an entry in ClinVar:

NM_000038.6(APC):c.7584T>A (p.Ile2528=)

Gene: APC (APC regulator of Wnt signaling pathway; plus strand). Cytogenetic location: 5q22.2.
Variant type: single nucleotide variant.
Coding change: c.7584T>A on transcript NM_000038.6 (MANE Select); coding-DNA position 7584, T replaced by A.
Protein change: p.Ile2528=; no amino-acid change (isoleucine 2528 retained).
Molecular consequence: synonymous variant. On other transcripts: non-coding transcript variant (2).
Genome position (GRCh38, 1-based): chr5:112,843,178, T>A. VCF-style: chr5-112843178-T-A. GRCh37 (hg19) VCF-style: chr5-112178875-T-A.
Other names: c.7461T>A, p.Ile2487= (NM_001354900.2); c.7407T>A, p.Ile2469= (NM_001354901.2, NM_001407453.1); c.7311T>A, p.Ile2437= (NM_001354902.2); c.7281T>A, p.Ile2427= (NM_001354903.2, NM_001407458.1, NM_001407459.1 and 1 more transcripts); c.7206T>A, p.Ile2402= (NM_001354904.2); c.7104T>A, p.Ile2368= (NM_001354905.2); c.6735T>A, p.Ile2245= (NM_001354906.2, NM_001407470.1); c.7668T>A, p.Ile2556= (NM_001407446.1); and 11 more.
Identifiers: ClinVar variation 4084239 (VCV004084239.8).

ClinVar aggregate classification (germline): Likely benign (1 of 4 stars; one submission).

Submission:

CeGaT Center for Human Genetics Tuebingen
Classification: Likely benign. Last evaluated: 2025-08-01. Review status: criteria provided, single submitter. Criteria: CeGaT Center For Human Genetics Tuebingen Variant Classification Criteria Version 2. Collection method: clinical testing. Allele origin: germline. Affected: yes. Observed: 1 variant allele.
Comment: APC: PM2:Supporting, BP4, BP7